The following is an entry in ClinVar:

NM_002485.5(NBN):c.1547C>T (p.Thr516Ile)

Gene: NBN (nibrin; minus strand). Cytogenetic location: 8q21.3.
Variant type: single nucleotide variant.
Coding change: c.1547C>T on transcript NM_002485.5 (MANE Select); coding-DNA position 1547, C replaced by T.
Protein change: p.Thr516Ile; replaces threonine 516 with isoleucine.
Molecular consequence: missense variant.
Genome position (GRCh38, 1-based): chr8:89,953,542, G>A on the plus strand (C>T on the coding strand, the complement: NBN is on the minus strand). VCF-style: chr8-89953542-G-A. GRCh37 (hg19) VCF-style: chr8-90965770-G-A.
Other names: c.1301C>T, p.Thr434Ile (NM_001024688.3); short protein forms T434I, T516I.
Identifiers: ClinVar variation 855934 (VCV000855934.7), dbSNP rs754706758, ClinGen allele CA4802704.

ClinVar aggregate classification (germline): Uncertain significance (1 of 4 stars; one submission).

Conditions:
Microcephaly, normal intelligence and immunodeficiency (NBS). Also called: SEEMANOVA SYNDROME II; IMMUNODEFICIENCY, MICROCEPHALY, AND CHROMOSOMAL INSTABILITY; Immunodeficiency, microcephaly with normal intelligence; BERLIN BREAKAGE SYNDROME; Nijmegen breakage syndrome; Microcephaly with normal intelligence immunodeficiency and lymphoreticular malignancies. Identifiers: Orphanet 647, MedGen C0398791, MONDO:0009623, OMIM 251260.

Allele frequency attached by ClinVar (database versions not stated): gnomAD exomes 0.00001; ExAC 0.00002.
gnomAD v4.1: 3 of 1,613,718 alleles (0.00019%); highest among the groups gnomAD compares: Admixed American, 0.005%; no homozygotes.

Submission:

Labcorp Genetics (formerly Invitae), Labcorp
Classification: Uncertain significance for Microcephaly, normal intelligence and immunodeficiency. Last evaluated: 2022-07-26. Review status: criteria provided, single submitter. Criteria: Invitae Variant Classification Sherloc (09022015). Collection method: clinical testing. Allele origin: germline.
Comment: In summary, the available evidence is currently insufficient to determine the role of this variant in disease. Therefore, it has been classified as a Variant of Uncertain Significance. Algorithms developed to predict the effect of missense changes on protein structure and function (SIFT, PolyPhen-2, Align-GVGD) all suggest that this variant is likely to be tolerated. ClinVar contains an entry for this variant (Variation ID: 855934). This variant has not been reported in the literature in individuals affected with NBN-related conditions. This variant is present in population databases (rs754706758, gnomAD 0.009%). This sequence change replaces threonine, which is neutral and polar, with isoleucine, which is neutral and non-polar, at codon 516 of the NBN protein (p.Thr516Ile).